The following is an entry in ClinVar:

ClinVar aggregate classification (germline): Pathogenic (1 of 4 stars; one submission).

Conditions:
Long QT syndrome (LQTS). Identifiers: MedGen C0023976, MeSH D008133, MONDO:0002442. Disease mechanism: loss of function. Inheritance: Various modes of inheritance.

Submission:

Labcorp Genetics (formerly Invitae), Labcorp
Classification: Pathogenic for Long QT syndrome. Last evaluated: 2025-07-09. Review status: criteria provided, single submitter. Criteria: Invitae Variant Classification Sherloc (09022015). Collection method: clinical testing. Allele origin: germline.
Comment: This sequence change creates a premature translational stop signal (p.Gln81Leufs*38) in the KCNH2 gene. It is expected to result in an absent or disrupted protein product. Loss-of-function variants in KCNH2 are known to be pathogenic (PMID: 10973849, 19862833). This variant is not present in population databases (gnomAD no frequency). This premature translational stop signal has been observed in individual(s) with Romano-Ward syndrome (PMID: 24606995). ClinVar contains an entry for this variant (Variation ID: 3720793). For these reasons, this variant has been classified as Pathogenic.

Literature cited by the submitters: PubMed 10973849; PubMed 19862833; PubMed 24606995.

NM_000238.4(KCNH2):c.234_241dup (p.Gln81fs)

Gene: KCNH2 (potassium voltage-gated channel subfamily H member 2; minus strand). Cytogenetic location: 7q36.1.
Variant type: Duplication.
Coding change: c.234_241dup on transcript NM_000238.4 (MANE Select); coding-DNA positions 234 to 241, 8 bases duplicated (TGCCGCGC; older notation c.234_241dupTGCCGCGC).
Protein change: p.Gln81fs; shifts the reading frame from glutamine 81.
Molecular consequence: frameshift variant. On other transcripts: non-coding transcript variant (1).
Genome position (GRCh38, 1-based): chr7:150,974,777-150,974,784, GCGCGGCA duplicated on the plus strand (TGCCGCGC on the coding strand, the reverse complement: KCNH2 is on the minus strand); duplicating any 8 consecutive bases within chr7:150,974,777-150,974,791 gives the same sequence; the c. name uses the placement nearest the transcript's 3' end. VCF-style (leftmost placement, unchanged base first): chr7-150974776-T-TGCGCGGCA. GRCh37 (hg19) VCF-style: chr7-150671864-T-TGCGCGGCA.
Other names: c.57_64dup, p.Gln22fs (NM_001406755.1); c.234_241dup, p.Gln81fs (NM_172056.3); short protein forms Q22fs, Q81fs.
Identifiers: ClinVar variation 3720793 (VCV003720793.2).
Genomic context (GRCh38, chr7:150,974,776, plus strand): 5'-TTCCGGTAGAAGGCGATTTCCACTTTGCGCTCCTCGGCGCCCAGCAGTGCCTGCGCGATC[T>TGCGCGGCA]GCGCGGCAGCGCGGCGCTGCGTGCGCGGCCCGTGCAGGAAGTCGCAGGTGCAGGGTCGCT-3'